The following is an entry in ClinVar:

NM_004990.4(MARS1):c.2033A>G (p.Asp678Gly)

Gene: MARS1 (methionyl-tRNA synthetase 1; plus strand). Cytogenetic location: 12q13.3.
Variant type: single nucleotide variant.
Coding change: c.2033A>G on transcript NM_004990.4 (MANE Select); coding-DNA position 2033, A replaced by G.
Protein change: p.Asp678Gly; replaces aspartic acid 678 with glycine.
Molecular consequence: missense variant.
Genome position (GRCh38, 1-based): chr12:57,514,785, A>G. VCF-style: chr12-57514785-A-G. GRCh37 (hg19) VCF-style: chr12-57908568-A-G.
Other names: short protein forms D678G.
Identifiers: ClinVar variation 475417 (VCV000475417.8), dbSNP rs1205620243, ClinGen allele CA385464608.

ClinVar aggregate classification (germline): Uncertain significance (1 of 4 stars; one submission).

Conditions:
Charcot-Marie-Tooth disease axonal type 2U. Also called: CHARCOT-MARIE-TOOTH NEUROPATHY, TYPE 2U; CHARCOT-MARIE-TOOTH DISEASE, AXONAL, AUTOSOMAL DOMINANT, TYPE 2U. Identifiers: Orphanet 397735, MedGen C4084821, MONDO:0014566, OMIM 616280.
Severe early-onset pulmonary alveolar proteinosis due to MARS deficiency. Also called: PULMONARY ALVEOLAR PROTEINOSIS, REUNION ISLAND; Interstitial lung and liver disease. Identifiers: Orphanet 440427, MedGen C4225400, MONDO:0014206, OMIM 615486.

Allele frequency attached by ClinVar (database versions not stated): TOPMed 0.00001.
gnomAD v4.1: 1 of 1,614,172 alleles (0.000062%); no homozygotes.

Submission:

Labcorp Genetics (formerly Invitae), Labcorp
Classification: Uncertain significance for Charcot-Marie-Tooth disease axonal type 2U; Severe early-onset pulmonary alveolar proteinosis due to MARS deficiency. Last evaluated: 2024-10-30. Review status: criteria provided, single submitter. Criteria: Invitae Variant Classification Sherloc (09022015). Collection method: clinical testing. Allele origin: germline.
Comment: This sequence change replaces aspartic acid, which is acidic and polar, with glycine, which is neutral and non-polar, at codon 678 of the MARS protein (p.Asp678Gly). This variant is not present in population databases (gnomAD no frequency). This variant has not been reported in the literature in individuals affected with MARS-related conditions. ClinVar contains an entry for this variant (Variation ID: 475417). An algorithm developed to predict the effect of missense changes on protein structure and function (PolyPhen-2) suggests that this variant is likely to be tolerated. In summary, the available evidence is currently insufficient to determine the role of this variant in disease. Therefore, it has been classified as a Variant of Uncertain Significance.